The following is an entry in ClinVar:

NM_020166.5(MCCC1):c.1651A>T (p.Arg551Ter)

Gene: MCCC1 (methylcrotonyl-CoA carboxylase subunit 1; minus strand). Cytogenetic location: 3q27.1.
Variant type: single nucleotide variant.
Coding change: c.1651A>T on transcript NM_020166.5 (MANE Select); coding-DNA position 1651, A replaced by T.
Protein change: p.Arg551Ter; replaces arginine 551 with a stop codon.
Molecular consequence: nonsense. On other transcripts: non-coding transcript variant (2).
Genome position (GRCh38, 1-based): chr3:183,034,021, T>A on the plus strand (A>T on the coding strand, the complement: MCCC1 is on the minus strand). VCF-style: chr3-183034021-T-A. GRCh37 (hg19) VCF-style: chr3-182751809-T-A.
Other names: c.1300A>T, p.Arg434Ter (NM_001293273.2); c.1324A>T, p.Arg442Ter (NM_001363880.1); short protein forms R434*, R551*, R442*.
Identifiers: ClinVar variation 1457124 (VCV001457124.6), dbSNP rs2108461735, ClinGen allele CA355318339.
Genomic context (GRCh38, chr3:183,034,021, plus strand): 5'-ACATTTCTCTTTTAATGAAACATTACTTACTGTTTTTACCATCTTTAAGAGTCATGTTTC[T>A]GGTATACGAGATATTCAGTCTTCTTCCACTGCTAGACGAAAATGGAGAGAATTGATCTAG-3'

ClinVar aggregate classification (germline): Pathogenic (1 of 4 stars; one submission).

Conditions:
3-methylcrotonyl-CoA carboxylase 1 deficiency (MCC1D). Also called: MCCD TYPE 1; METHYLCROTONYLGLYCINURIA TYPE I; MCC 1 deficiency; 3 Alpha methylcrotonylglycinuria 1. Identifiers: Orphanet 6, MedGen CN028786, MONDO:0008861, OMIM 210200.

gnomAD v4.1: 1 of 1,611,416 alleles (0.000062%); highest among the groups gnomAD compares: Non-Finnish European, 0.000085%; no homozygotes.

Submission:

Labcorp Genetics (formerly Invitae), Labcorp
Classification: Pathogenic for 3-methylcrotonyl-CoA carboxylase 1 deficiency. Last evaluated: 2024-09-06. Review status: criteria provided, single submitter. Criteria: Invitae Variant Classification Sherloc (09022015). Collection method: clinical testing. Allele origin: germline.
Comment: This sequence change creates a premature translational stop signal (p.Arg551*) in the MCCC1 gene. It is expected to result in an absent or disrupted protein product. Loss-of-function variants in MCCC1 are known to be pathogenic (PMID: 11181649, 15359379, 22642865). This variant is not present in population databases (gnomAD no frequency). This variant has not been reported in the literature in individuals affected with MCCC1-related conditions. ClinVar contains an entry for this variant (Variation ID: 1457124). For these reasons, this variant has been classified as Pathogenic.

Literature cited by the submitters: PubMed 11181649; PubMed 15359379; PubMed 22642865.